The following is an entry in ClinVar:

NM_018489.3(ASH1L):c.2961_2964del (p.Asn987fs)

Gene: ASH1L (ASH1 like histone lysine methyltransferase; minus strand). Cytogenetic location: 1q22.
Variant type: Microsatellite.
Coding change: c.2961_2964del on transcript NM_018489.3 (MANE Select); coding-DNA positions 2961 to 2964, 4 bases deleted (TAAA; older notation c.2961_2964delTAAA).
Protein change: p.Asn987fs; shifts the reading frame from asparagine 987.
Molecular consequence: frameshift variant.
Genome position (GRCh38, 1-based): chr1:155,479,906-155,479,909, TTTA deleted on the plus strand (TAAA on the coding strand, the reverse complement: ASH1L is on the minus strand); deleting any 4 consecutive bases within chr1:155,479,906-155,479,916 gives the same sequence; the c. name uses the placement nearest the transcript's 3' end. VCF-style (leftmost placement, unchanged base first): chr1-155479905-TTTTA-T. GRCh37 (hg19) VCF-style: chr1-155449696-TTTTA-T.
Other names: c.2961_2964del, p.Asn987fs (NM_001366177.2); short protein forms N987fs.
Identifiers: ClinVar variation 4891279 (VCV004891279.1).

ClinVar aggregate classification (germline): Pathogenic (1 of 4 stars; one submission).

Conditions:
Intellectual developmental disorder, autosomal dominant 52. Also called: Intellectual disability, autosomal dominant 52; Mental retardation, autosomal dominant 52. Identifiers: MedGen C4540478, MONDO:0030918, OMIM 617796.

Submission:

Clinical Genetics Laboratory, University Hospital Schleswig-Holstein
Classification: Pathogenic for Intellectual developmental disorder, autosomal dominant 52. Last evaluated: 2025-11-13. Review status: criteria provided, single submitter. Criteria: ACMG Guidelines, 2015. Collection method: clinical testing. Allele origin: germline. Affected: yes. Observed: 1 heterozygote.
Comment: ACMG criteria applied: PVS1, PM2